The following is an entry in ClinVar:

NM_005562.3(LAMC2):c.2595del (p.Gln867fs)

Gene: LAMC2 (laminin subunit gamma 2; plus strand). Cytogenetic location: 1q25.3.
Variant type: Deletion.
Coding change: c.2595del on transcript NM_005562.3 (MANE Select); coding-DNA position 2595, one base deleted (C; older notation c.2595delC).
Protein change: p.Gln867fs; shifts the reading frame from glutamine 867.
Molecular consequence: frameshift variant.
Genome position (GRCh38, 1-based): chr1:183,236,598, C deleted; the last of 2 consecutive C bases (chr1:183,236,597-183,236,598); deleting either gives the same sequence. VCF-style (leftmost placement, unchanged base first): chr1-183236596-TC-T. GRCh37 (hg19) VCF-style: chr1-183205731-TC-T.
Other names: c.2595del, p.Gln867fs (NM_018891.3); short protein forms Q867fs.
Identifiers: ClinVar variation 2086716 (VCV002086716.4), dbSNP rs2526113536, ClinGen allele CA2580061611.

ClinVar aggregate classification (germline): Pathogenic (1 of 4 stars; one submission).

Submission:

Labcorp Genetics (formerly Invitae), Labcorp
Classification: Pathogenic. Last evaluated: 2022-01-17. Review status: criteria provided, single submitter. Criteria: Invitae Variant Classification Sherloc (09022015). Collection method: clinical testing. Allele origin: germline.
Comment: This sequence change creates a premature translational stop signal (p.Gln867Argfs*19) in the LAMC2 gene. It is expected to result in an absent or disrupted protein product. Loss-of-function variants in LAMC2 are known to be pathogenic (PMID: 11907499, 16473856). For these reasons, this variant has been classified as Pathogenic. This variant has not been reported in the literature in individuals affected with LAMC2-related conditions. This variant is not present in population databases (gnomAD no frequency).

Literature cited by the submitters: PubMed 11907499; PubMed 16473856.